The following is an entry in ClinVar:

NM_001360.3(DHCR7):c.-225C>G

Gene: DHCR7 (7-dehydrocholesterol reductase; minus strand). Cytogenetic location: 11q13.4.
Variant type: single nucleotide variant.
Coding change: c.-225C>G on transcript NM_001360.3 (MANE Select); 225 bases upstream of the start codon, C replaced by G.
Molecular consequence: 5 prime UTR variant.
Genome position (GRCh38, 1-based): chr11:71,448,383, G>C on the plus strand (C>G on the coding strand, the complement: DHCR7 is on the minus strand). VCF-style: chr11-71448383-G-C. GRCh37 (hg19) VCF-style: chr11-71159429-G-C.
Other names: c.-202C>G (NM_001163817.2).
Identifiers: ClinVar variation 305970 (VCV000305970.10), dbSNP rs4944946, ClinGen allele CA10639348.
Genomic context (GRCh38, chr11:71,448,383, plus strand): 5'-CTTCCCCTGGCCTCGCTTGCGCGCGCTGCTCCACGCCGCCTACCCTCTAGCCAGGGGTCG[G>C]AGTCACCCGCAGGGCAGGGGCGCCCGCCCCCGGATGATGTCAGCGATTGCCTGCCAATCG-3'

ClinVar aggregate classification (germline): Benign. Review status: criteria provided, multiple submitters, no conflicts (2 of 4 stars). 3 submissions from 3 submitters: Benign (2). 1 of the submissions does not count toward it. Last evaluated 2021-05-18.

Conditions:
Smith-Lemli-Opitz syndrome (SLOS). Also called: LETHAL ACRODYSGENITAL SYNDROME; POLYDACTYLY, SEX REVERSAL, RENAL HYPOPLASIA, AND UNILOBAR LUNG; RSH SYNDROME; RUTLEDGE LETHAL MULTIPLE CONGENITAL ANOMALY SYNDROME; 7-Dehydrocholesterol reductase deficiency. Identifiers: Orphanet 818, MedGen C0175694, MONDO:0010035, OMIM 270400.

Allele frequency attached by ClinVar (database versions not stated): 1000 Genomes Project 0.05152; 1000 Genomes Project 30x 0.05621.

Submissions (3):

GeneDx
Classification: Benign. Last evaluated: 2021-05-18. Review status: criteria provided, single submitter. Criteria: GeneDx Variant Classification Process June 2021. Collection method: clinical testing. Allele origin: germline. Affected: yes.

Illumina Laboratory Services, Illumina
Classification: Benign for Smith-Lemli-Opitz syndrome. Last evaluated: 2018-01-12. Review status: criteria provided, single submitter. Criteria: ICSL Variant Classification Criteria 13 December 2019. Collection method: clinical testing. Allele origin: germline.
Comment: This variant was observed in the ICSL laboratory as part of a predisposition screen in an ostensibly healthy population. It had not been previously curated by ICSL or reported in the Human Gene Mutation Database (HGMD: prior to June 1st, 2018), and was therefore a candidate for classification through an automated scoring system. Utilizing variant allele frequency, disease prevalence and penetrance estimates, and inheritance mode, an automated score was calculated to assess if this variant is too frequent to cause the disease. Based on the score and internal cut-off values, a variant classified as benign is not then subjected to further curation. The score for this variant resulted in a classification of benign for this disease.

Natera, Inc.
Classification: Benign for Smith-Lemli-Opitz syndrome. Last evaluated: 2017-08-09. Review status: no assertion criteria provided. Collection method: clinical testing. Allele origin: germline. Not counted in ClinVar's aggregate classification.